The following is an entry in ClinVar:

NM_017617.5(NOTCH1):c.254A>G (p.Tyr85Cys)

Gene: NOTCH1 (notch receptor 1; minus strand). Cytogenetic location: 9q34.3.
Variant type: single nucleotide variant.
Coding change: c.254A>G on transcript NM_017617.5 (MANE Select); coding-DNA position 254, A replaced by G.
Protein change: p.Tyr85Cys; replaces tyrosine 85 with cysteine.
Molecular consequence: missense variant.
Genome position (GRCh38, 1-based): chr9:136,523,866, T>C on the plus strand (A>G on the coding strand, the complement: NOTCH1 is on the minus strand). VCF-style: chr9-136523866-T-C. GRCh37 (hg19) VCF-style: chr9-139418318-T-C.
Other names: short protein forms Y85C.
Identifiers: ClinVar variation 2699971 (VCV002699971.3), dbSNP rs2133379458, ClinGen allele CA375572910.

ClinVar aggregate classification (germline): Uncertain significance (1 of 4 stars; one submission).

Conditions:
Adams-Oliver syndrome 5 (AOS5). Identifiers: Orphanet 974, MedGen C4014970, MONDO:0014459, OMIM 616028.

Allele frequency attached by ClinVar (database versions not stated): gnomAD exomes below 0.00001.
gnomAD v4.1: 1 of 1,611,208 alleles (0.000062%); highest among the groups gnomAD compares: Non-Finnish European, 0.000085%; no homozygotes.

Submission:

Labcorp Genetics (formerly Invitae), Labcorp
Classification: Uncertain significance for Adams-Oliver syndrome 5. Last evaluated: 2023-12-01. Review status: criteria provided, single submitter. Criteria: Invitae Variant Classification Sherloc (09022015). Collection method: clinical testing. Allele origin: germline.
Comment: This sequence change replaces tyrosine, which is neutral and polar, with cysteine, which is neutral and slightly polar, at codon 85 of the NOTCH1 protein (p.Tyr85Cys). This variant is not present in population databases (gnomAD no frequency). This variant has not been reported in the literature in individuals affected with NOTCH1-related conditions. Advanced modeling of protein sequence and biophysical properties (such as structural, functional, and spatial information, amino acid conservation, physicochemical variation, residue mobility, and thermodynamic stability) performed at Invitae indicates that this missense variant is not expected to disrupt NOTCH1 protein function with a negative predictive value of 95%. In summary, the available evidence is currently insufficient to determine the role of this variant in disease. Therefore, it has been classified as a Variant of Uncertain Significance.